The following is an entry in ClinVar:

NM_001875.5(CPS1):c.2730T>C (p.Ile910=)

Gene: CPS1 (carbamoyl-phosphate synthase 1; plus strand). Cytogenetic location: 2q34.
Variant type: single nucleotide variant.
Coding change: c.2730T>C on transcript NM_001875.5 (MANE Select); coding-DNA position 2730, T replaced by C.
Protein change: p.Ile910=; no amino-acid change (isoleucine 910 retained).
Molecular consequence: synonymous variant. On other transcripts: non-coding transcript variant (2).
Genome position (GRCh38, 1-based): chr2:210,637,744, T>C. VCF-style: chr2-210637744-T-C. GRCh37 (hg19) VCF-style: chr2-211502468-T-C.
Other names: c.2730T>C, p.Ile910= (NM_001122633.3, NM_001369257.1); c.2763T>C, p.Ile921= (NM_001369256.1).
Identifiers: ClinVar variation 3034042 (VCV003034042.2), dbSNP rs2469258646, ClinGen allele CA431006473.

ClinVar aggregate classification (germline): Likely benign (0 of 4 stars; one submission).

Conditions:
CPS1-related disorder. Also called: CPS1-related condition.

Submission:

PreventionGenetics, part of Exact Sciences
Classification: Likely benign for CPS1-related condition. Last evaluated: 2019-06-17. Review status: no assertion criteria provided. Collection method: clinical testing. Allele origin: germline.
Comment: This variant is classified as likely benign based on ACMG/AMP sequence variant interpretation guidelines (Richards et al. 2015 PMID: 25741868, with internal and published modifications).